The following is an entry in ClinVar:

ClinVar aggregate classification (germline): Uncertain significance (1 of 4 stars; one submission).

Submission:

GeneDx
Classification: Uncertain significance. Last evaluated: 2021-04-27. Review status: criteria provided, single submitter. Criteria: GeneDx Variant Classification Process June 2021. Collection method: clinical testing. Allele origin: germline. Affected: yes.
Comment: Not observed in large population cohorts (Lek et al., 2016); In silico analysis supports that this missense variant does not alter protein structure/function; Has not been previously published as pathogenic or benign to our knowledge

NM_001162501.2(TNRC6B):c.3999G>C (p.Met1333Ile)

Gene: TNRC6B (trinucleotide repeat containing adaptor 6B; plus strand). Cytogenetic location: 22q13.1.
Variant type: single nucleotide variant.
Coding change: c.3999G>C on transcript NM_001162501.2 (MANE Select); coding-DNA position 3999, G replaced by C.
Protein change: p.Met1333Ile; replaces methionine 1333 with isoleucine.
Molecular consequence: missense variant.
Genome position (GRCh38, 1-based): chr22:40,301,212, G>C. VCF-style: chr22-40301212-G-C. GRCh37 (hg19) VCF-style: chr22-40697216-G-C.
Other names: c.1587G>C, p.Met529Ile (NM_001024843.2); c.3669G>C, p.Met1223Ile (NM_015088.3); short protein forms M1223I, M1333I, M529I.
Identifiers: ClinVar variation 1316777 (VCV001316777.2), dbSNP rs2146548563, ClinGen allele CA411663090.
Genomic context (GRCh38, chr22:40,301,212, plus strand): 5'-GGCTCGAATGGTGAGTGCACTGCAGCAGCAGCAGCAGCAGCAGCAGAGGCAGCCAGGCAT[G>C]AAGCACTCGCCCTCTCATCCTGTTGGGCCCAAGCCGCATCTGGACAACATGGTACCCAAC-3'
Protein context (NP_001155973.1, residues 1323-1343): QQQQQQRQPG[Met1333Ile]KHSPSHPVGP